The following is an entry in ClinVar:

ClinVar aggregate classification (germline): Uncertain significance. Review status: criteria provided, multiple submitters, no conflicts (2 of 4 stars). 4 submissions from 4 submitters: Uncertain significance (4). Last evaluated 2025-07-20.

Conditions:
Myopathy, centronuclear, 2 (CNM2). Also called: MYOTUBULAR MYOPATHY, AUTOSOMAL RECESSIVE. Identifiers: Orphanet 169186, MedGen CN031787, MONDO:0009709, OMIM 255200.
Inborn genetic diseases. Identifiers: MedGen C0950123, MeSH D030342.

Allele frequency attached by ClinVar (database versions not stated): gnomAD 0.00001; gnomAD exomes 0.00001; TOPMed 0.00002; ExAC 0.00008.
gnomAD v4.1: 20 of 1,579,446 alleles (0.0013%); highest among the groups gnomAD compares: South Asian, 0.0035%; no homozygotes.

Submissions (4):

Labcorp Genetics (formerly Invitae), Labcorp
Classification: Uncertain significance for Myopathy, centronuclear, 2. Last evaluated: 2025-07-20. Review status: criteria provided, single submitter. Criteria: Invitae Variant Classification Sherloc (09022015). Collection method: clinical testing. Allele origin: germline.
Comment: This sequence change replaces threonine, which is neutral and polar, with methionine, which is neutral and non-polar, at codon 450 of the BIN1 protein (p.Thr450Met). The frequency data for this variant in the population databases is considered unreliable, as metrics indicate poor data quality at this position in the gnomAD database. This variant has not been reported in the literature in individuals affected with BIN1-related conditions. ClinVar contains an entry for this variant (Variation ID: 1800820). An algorithm developed to predict the effect of missense changes on protein structure and function outputs the following: PolyPhen-2: "Benign". The methionine amino acid residue is found in multiple mammalian species, which suggests that this missense change does not adversely affect protein function. In summary, the available evidence is currently insufficient to determine the role of this variant in disease. Therefore, it has been classified as a Variant of Uncertain Significance.

Ambry Genetics
Classification: Uncertain significance for Inborn genetic diseases. Last evaluated: 2023-12-19. Review status: criteria provided, single submitter. Criteria: Ambry Variant Classification Scheme 2023. Collection method: clinical testing. Allele origin: germline.

GeneDx
Classification: Uncertain significance. Last evaluated: 2022-05-24. Review status: criteria provided, single submitter. Criteria: GeneDx Variant Classification Process June 2021. Collection method: clinical testing. Allele origin: germline. Affected: yes.
Comment: Not observed at significant frequency in large population cohorts (gnomAD); In silico analysis supports that this missense variant does not alter protein structure/function; Has not been previously published as pathogenic or benign to our knowledge

Revvity Omics, Revvity
Classification: Uncertain significance for Myopathy, centronuclear, 2. Last evaluated: 2020-03-17. Review status: criteria provided, single submitter. Criteria: ACMG Guidelines, 2015. Collection method: clinical testing. Allele origin: germline.

NM_139343.3(BIN1):c.1349C>T (p.Thr450Met)

Gene: BIN1 (bridging integrator 1; minus strand). Cytogenetic location: 2q14.3.
Variant type: single nucleotide variant.
Coding change: c.1349C>T on transcript NM_139343.3 (MANE Select); coding-DNA position 1349, C replaced by T.
Protein change: p.Thr450Met; replaces threonine 450 with methionine.
Molecular consequence: missense variant. On other transcripts: intron variant (9).
Genome position (GRCh38, 1-based): chr2:127,052,277, G>A on the plus strand (C>T on the coding strand, the complement: BIN1 is on the minus strand). VCF-style: chr2-127052277-G-A. GRCh37 (hg19) VCF-style: chr2-127809853-G-A.
Other names: c.1256C>T, p.Thr419Met (NM_001320641.2); c.1268C>T, p.Thr423Met (NM_001320642.1); c.1220C>T, p.Thr407Met (NM_139344.3); c.1088C>T, p.Thr363Met (NM_139345.3); c.1124C>T, p.Thr375Met (NM_139347.3); c.995C>T, p.Thr332Met (NM_139349.3); c.838-1365C>T (NM_001320634.1); c.910-1365C>T (NM_139351.3); and 7 more; short protein forms T332M, T363M, T375M, T407M, T419M, T423M, T450M.
Identifiers: ClinVar variation 1800820 (VCV001800820.10), dbSNP rs750715069, ClinGen allele CA1857096.